The following is an entry in ClinVar:

NM_000094.4(COL7A1):c.8774G>A (p.Cys2925Tyr)

Gene: COL7A1 (collagen type VII alpha 1 chain; minus strand). Cytogenetic location: 3p21.31.
Variant type: single nucleotide variant.
Coding change: c.8774G>A on transcript NM_000094.4 (MANE Select); coding-DNA position 8774, G replaced by A.
Protein change: p.Cys2925Tyr; replaces cysteine 2925 with tyrosine.
Molecular consequence: missense variant.
Genome position (GRCh38, 1-based): chr3:48,564,827, C>T on the plus strand (G>A on the coding strand, the complement: COL7A1 is on the minus strand). VCF-style: chr3-48564827-C-T. GRCh37 (hg19) VCF-style: chr3-48602260-C-T.
Other names: short protein forms C2925Y.
Identifiers: ClinVar variation 5004587 (VCV005004587.1).

ClinVar aggregate classification (germline): Uncertain significance (1 of 4 stars; one submission).

Conditions:
Recessive dystrophic epidermolysis bullosa (RDEB). Also called: Epidermolysis Bullosa Distrophica Autosomal Recessive (RDEB); Recessive DEB (RDEB); DYSTROPHIC EPIDERMOLYSIS BULLOSA, AUTOSOMAL RECESSIVE; EPIDERMOLYSIS BULLOSA DYSTROPHICA, HALLOPEAU-SIEMENS TYPE; severe generalized recessive dystrophic epidermolysis bullosa; epidermolysis bullosa dystrophica, autosomal recessive. Identifiers: Orphanet 79408, Orphanet 79409, MedGen C0079474, MONDO:0009179, OMIM 226600.

Submission:

Myriad Genetics, Inc.
Classification: Uncertain significance for Recessive dystrophic epidermolysis bullosa. Last evaluated: 2026-04-15. Review status: criteria provided, single submitter. Criteria: Myriad Autosomal Dominant, Autosomal Recessive and X-Linked Classification Criteria (2023). Collection method: clinical testing. Allele origin: unknown.
Comment: NM_000094.3(COL7A1):c.8774G>A(C2925Y) is a missense variant classified as a variant of uncertain significance in the context of dystrophic epidermolysis bullosa. C2925Y has not been observed in cases with relevant disease. Relevant functional assessments of this variant are not available in the literature. C2925Y has not been observed in referenced population frequency databases. In summary, there is insufficient evidence to classify NM_000094.3(COL7A1):c.8774G>A(C2925Y) as pathogenic or benign. Please note: this variant was assessed in the context of healthy population screening.